The following is an entry in ClinVar:

NM_000020.3(ACVRL1):c.969A>C (p.Lys323Asn)

Gene: ACVRL1 (activin A receptor like type 1; plus strand). Cytogenetic location: 12q13.13.
Variant type: single nucleotide variant.
Coding change: c.969A>C on transcript NM_000020.3 (MANE Select); coding-DNA position 969, A replaced by C.
Protein change: p.Lys323Asn; replaces lysine 323 with asparagine.
Molecular consequence: missense variant.
Genome position (GRCh38, 1-based): chr12:51,915,421, A>C. VCF-style: chr12-51915421-A-C. GRCh37 (hg19) VCF-style: chr12-52309205-A-C.
Other names: c.969A>C, p.Lys323Asn (NM_001077401.2); short protein forms K323N.
Identifiers: ClinVar variation 464772 (VCV000464772.8), dbSNP rs771877309, ClinGen allele CA6573027.
Genomic context (GRCh38, chr12:51,915,421, plus strand): 5'-TGTGTCCGCGGCATGCGGCCTGGCGCACCTGCACGTGGAGATCTTCGGTACACAGGGCAA[A>C]CCAGCCATTGCCCACCGCGACTTCAAGAGCCGCAATGTGCTGGTCAAGAGCAACCTGCAG-3'
Protein context (NP_000011.2, residues 313-333): LHVEIFGTQG[Lys323Asn]PAIAHRDFKS

ClinVar aggregate classification (germline): Uncertain significance (1 of 4 stars; one submission).

Conditions:
Telangiectasia, hereditary hemorrhagic, type 2 (HHT2). Also called: ACVRL1-Related Hereditary Hemorrhagic Telangiectasia; Telangiectasia, hereditary hemorrhagic, type II. Identifiers: Orphanet 774, MedGen C1838163, MONDO:0010880, OMIM 600376. Disease mechanism: loss of function.

Allele frequency attached by ClinVar (database versions not stated): ExAC 0.00072.

Submission:

Labcorp Genetics (formerly Invitae), Labcorp
Classification: Uncertain significance for Telangiectasia, hereditary hemorrhagic, type 2. Last evaluated: 2017-04-25. Review status: criteria provided, single submitter. Criteria: Invitae Variant Classification Sherloc (09022015). Collection method: clinical testing. Allele origin: germline.
Comment: Algorithms developed to predict the effect of missense changes on protein structure and function (SIFT, PolyPhen-2, Align-GVGD) all suggest that this variant is likely to be disruptive, but these predictions have not been confirmed by published functional studies. The frequency data for this variant (rs771877309) in the population databases is unreliable, as metrics indicate poor quality at this position in the ExAC database. This variant has not been reported in the literature in individuals with a ACVRL1-related disease. This sequence change replaces lysine with asparagine at codon 323 of the ACVRL1 protein (p.Lys323Asn). The lysine residue is highly conserved and there is a moderate physicochemical difference between lysine and asparagine. In summary, this variant is a rare missense change with uncertain impact on protein function. It has been classified as a Variant of Uncertain Significance.